The following is an entry in ClinVar:

ClinVar aggregate classification (germline): Uncertain significance (1 of 4 stars; one submission).

Conditions:
Congenital myotonia, autosomal dominant form (THD). Also called: THOMSEN DISEASE; Myotonia congenita autosomal dominant. Identifiers: Orphanet 614, MedGen C2936781, MONDO:0008055, OMIM 160800.
Congenital myotonia, autosomal recessive form. Also called: Becker Generalized Myotonia; myotonia congenita, autosomal recessive; BECKER DISEASE. Identifiers: Orphanet 614, MedGen C0751360, MONDO:0009715, OMIM 255700.

gnomAD v4.1: 4 of 1,613,852 alleles (0.00025%); highest among the groups gnomAD compares: African/African-American, 0.004%; no homozygotes.

Submission:

Labcorp Genetics (formerly Invitae), Labcorp
Classification: Uncertain significance for Congenital myotonia, autosomal recessive form; Congenital myotonia, autosomal dominant form. Last evaluated: 2024-10-10. Review status: criteria provided, single submitter. Criteria: Invitae Variant Classification Sherloc (09022015). Collection method: clinical testing. Allele origin: germline.
Comment: This sequence change replaces valine, which is neutral and non-polar, with methionine, which is neutral and non-polar, at codon 957 of the CLCN1 protein (p.Val957Met). This variant is present in population databases (rs745586851, gnomAD 0.01%). This variant has not been reported in the literature in individuals affected with CLCN1-related conditions. Invitae Evidence Modeling of protein sequence and biophysical properties (such as structural, functional, and spatial information, amino acid conservation, physicochemical variation, residue mobility, and thermodynamic stability) indicates that this missense variant is not expected to disrupt CLCN1 protein function with a negative predictive value of 95%. In summary, the available evidence is currently insufficient to determine the role of this variant in disease. Therefore, it has been classified as a Variant of Uncertain Significance.

NM_000083.3(CLCN1):c.2869G>A (p.Val957Met)

Gene: CLCN1 (chloride voltage-gated channel 1; plus strand). Cytogenetic location: 7q34.
Variant type: single nucleotide variant.
Coding change: c.2869G>A on transcript NM_000083.3 (MANE Select); coding-DNA position 2869, G replaced by A.
Protein change: p.Val957Met; replaces valine 957 with methionine.
Molecular consequence: missense variant. On other transcripts: non-coding transcript variant (1).
Genome position (GRCh38, 1-based): chr7:143,351,867, G>A. VCF-style: chr7-143351867-G-A. GRCh37 (hg19) VCF-style: chr7-143048960-G-A.
Other names: short protein forms V957M.
Identifiers: ClinVar variation 3761948 (VCV003761948.2).